The following is an entry in ClinVar:

NM_001378120.1(MBD5):c.1658G>A (p.Ser553Asn)

Gene: MBD5 (methyl-CpG binding domain protein 5; plus strand). Cytogenetic location: 2q23.1.
Variant type: single nucleotide variant.
Coding change: c.1658G>A on transcript NM_001378120.1 (MANE Select); coding-DNA position 1658, G replaced by A.
Protein change: p.Ser553Asn; replaces serine 553 with asparagine.
Molecular consequence: missense variant.
Genome position (GRCh38, 1-based): chr2:148,469,601, G>A. VCF-style: chr2-148469601-G-A. GRCh37 (hg19) VCF-style: chr2-149227170-G-A.
Other names: c.1658G>A, p.Ser553Asn (NM_018328.5); short protein forms S553N.
Identifiers: ClinVar variation 3343523 (VCV003343523.1).
Genomic context (GRCh38, chr2:148,469,601, plus strand): 5'-TAAATACCCCAAGCAGTGCAGCTTTTCCTACTGCATCTGCCGGAAGTAGTTCTGTAAAGA[G>A]TCAGCCTGGTTTGCTGGGAATGCCTTTAAATCAGATCTTGAACCAGCACAATGCTGCCTC-3'
Protein context (NP_001365049.1, residues 543-563): TASAGSSSVK[Ser553Asn]QPGLLGMPLN

ClinVar aggregate classification (germline): Uncertain significance (1 of 4 stars; one submission).

Submission:

GeneDx
Classification: Uncertain significance. Last evaluated: 2023-05-14. Review status: criteria provided, single submitter. Criteria: GeneDx Variant Classification Process June 2021. Collection method: clinical testing. Allele origin: germline. Affected: yes.
Comment: Not observed at significant frequency in large population cohorts (gnomAD); In silico analysis supports that this missense variant does not alter protein structure/function; Has not been previously published as pathogenic or benign to our knowledge